The following is an entry in ClinVar:

NM_020338.4(ZMIZ1):c.2944CCT[6] (p.Pro986_Ser987insPro)

Gene: ZMIZ1 (zinc finger MIZ-type containing 1; plus strand). Cytogenetic location: 10q22.3.
Variant type: Microsatellite.
Coding change: c.2944CCT[6] on transcript NM_020338.4 (MANE Select); six copies in a row of the 3-base unit CCT starting at c.2944; the reference has five copies in a row; one copy, 3 bases duplicated.
Protein change: p.Pro986_Ser987insPro.
Genome position (GRCh38, 1-based): chr10:79,311,044-79,311,046, CCT duplicated; duplicating any 3 consecutive bases within chr10:79,311,030-79,311,046 gives the same sequence; the position shown is the placement nearest the transcript's 3' end. VCF-style (leftmost placement, unchanged base first): chr10-79311029-G-GCTC. GRCh37 (hg19) VCF-style: chr10-81070786-G-GCTC.
Identifiers: ClinVar variation 4780231 (VCV004780231.1).
Genomic context (GRCh38, chr10:79,311,029, plus strand): 5'-CAAGGTTTGCACGTACCACACCCCAGCAGCCAGTCAGGGCCTCCATTACATCACAGTGGG[G>GCTC]CTCCTCCTCCTCCTCCTTCCCAGCCTCCCCGGCAGCCGCCACAGGCCGCTCCCAGCAGCC-3'

ClinVar aggregate classification (germline): Uncertain significance (1 of 4 stars; one submission).

Submission:

Labcorp Genetics (formerly Invitae), Labcorp
Classification: Uncertain significance. Last evaluated: 2025-04-13. Review status: criteria provided, single submitter. Criteria: Invitae Variant Classification Sherloc (09022015). Collection method: clinical testing. Allele origin: germline.
Comment: This variant, c.2956_2958dup, results in the insertion of 1 amino acid(s) of the ZMIZ1 protein (p.Pro986dup), but otherwise preserves the integrity of the reading frame. This variant is present in population databases (rs775967377, gnomAD 0.03%), including at least one homozygous and/or hemizygous individual. This variant has not been reported in the literature in individuals affected with ZMIZ1-related conditions. In summary, the available evidence is currently insufficient to determine the role of this variant in disease. Therefore, it has been classified as a Variant of Uncertain Significance.